The following is an entry in ClinVar:

NM_001927.4(DES):c.137C>A (p.Ser46Tyr)

Gene: DES (desmin; plus strand). Cytogenetic location: 2q35.
Variant type: single nucleotide variant.
Coding change: c.137C>A on transcript NM_001927.4 (MANE Select); coding-DNA position 137, C replaced by A.
Protein change: p.Ser46Tyr; replaces serine 46 with tyrosine.
Molecular consequence: missense variant.
Genome position (GRCh38, 1-based): chr2:219,418,599, C>A. VCF-style: chr2-219418599-C-A. GRCh37 (hg19) VCF-style: chr2-220283321-C-A.
Other names: c.137C>A (LRG_380t1); short protein forms S46Y.
Identifiers: ClinVar variation 66405 (VCV000066405.5), dbSNP rs60794845, ClinGen allele CA217053.

ClinVar aggregate classification (germline): Likely pathogenic. Review status: criteria provided, single submitter (1 of 4 stars). 2 submissions from 2 submitters: Likely pathogenic (1). 1 of the submissions does not count toward it. Last evaluated 2021-10-04.

Submissions (2):

GeneDx
Classification: Likely pathogenic. Last evaluated: 2021-10-04. Review status: criteria provided, single submitter. Criteria: GeneDx Variant Classification Process June 2021. Collection method: clinical testing. Allele origin: germline. Affected: yes.
Comment: Not observed at significant frequency in large population cohorts (Lek et al., 2016); In silico analysis supports that this missense variant does not alter protein structure/function; In vitro functional studies suggest the presence of this variant may impact protein function; however, it is unclear how these studies may translate to a pathogenic role in vivo (Sharma et al., 2009; Baker et al., 2013); This variant is associated with the following publications: (PMID: 21982405, 19763525, 23615443, 14711882)

Epithelial Biology; Institute of Medical Biology, Singapore
No classification provided. Review status: no classification provided. Collection method: not provided. Allele origin: not provided. Not counted in ClinVar's aggregate classification.